The following is an entry in ClinVar:

ClinVar aggregate classification (germline): Likely benign (1 of 4 stars; one submission).

Conditions:
AP1B1-related disorder. Also called: AP1B1-related condition.

gnomAD v4.1: 46 of 1,612,990 alleles (0.0029%); highest among the groups gnomAD compares: East Asian, 0.096%; no homozygotes.

Submission:

PreventionGenetics, part of Exact Sciences
Classification: Likely benign for AP1B1-related condition. Last evaluated: 2026-09-02. Review status: criteria provided, single submitter. Criteria: ACMG Guidelines, 2015. Collection method: clinical testing. Allele origin: germline.
Comment: This variant is classified as likely benign based on ACMG/AMP sequence variant interpretation guidelines (Richards et al. 2015 PMID: 25741868, with internal and published modifications).

NM_001127.4(AP1B1):c.153C>T (p.Phe51=)

Gene: AP1B1 (adaptor related protein complex 1 subunit beta 1; minus strand). Cytogenetic location: 22q12.2.
Variant type: single nucleotide variant.
Coding change: c.153C>T on transcript NM_001127.4 (MANE Select); coding-DNA position 153, C replaced by T.
Protein change: p.Phe51=; no amino-acid change (phenylalanine 51 retained).
Molecular consequence: synonymous variant. On other transcripts: 5 prime UTR variant (2).
Genome position (GRCh38, 1-based): chr22:29,359,950, G>A on the plus strand (C>T on the coding strand, the complement: AP1B1 is on the minus strand). VCF-style: chr22-29359950-G-A. GRCh37 (hg19) VCF-style: chr22-29755939-G-A.
Other names: c.153C>T, p.Phe51= (NM_001166019.2, NM_001378562.1, NM_001378563.1 and 2 more transcripts); c.-19C>T (NM_001378564.1, NM_001378565.1).
Identifiers: ClinVar variation 4978989 (VCV004978989.1).